The following is an entry in ClinVar:

NM_000057.4(BLM):c.3410A>G (p.Tyr1137Cys)

Gene: BLM (BLM RecQ like helicase; plus strand). Cytogenetic location: 15q26.1.
Variant type: single nucleotide variant.
Coding change: c.3410A>G on transcript NM_000057.4 (MANE Select); coding-DNA position 3410, A replaced by G.
Protein change: p.Tyr1137Cys; replaces tyrosine 1137 with cysteine.
Molecular consequence: missense variant. On other transcripts: intron variant (1).
Genome position (GRCh38, 1-based): chr15:90,803,572, A>G. VCF-style: chr15-90803572-A-G. GRCh37 (hg19) VCF-style: chr15-91346802-A-G.
Other names: c.3410A>G, p.Tyr1137Cys (NM_001287246.2); c.2285A>G, p.Tyr762Cys (NM_001287248.2); c.3358+5235A>G (NM_001287247.2); short protein forms Y762C, Y1137C.
Identifiers: ClinVar variation 2452579 (VCV002452579.2), dbSNP rs2505546899, ClinGen allele CA393847535.
Genomic context (GRCh38, chr15:90,803,572, plus strand): 5'-TCTTATCAGGGAGTAAGAGTGCAAAAATCCAGTCAGGTATATTTGGAAAAGGATCTGCTT[A>G]TTCACGACACAATGCCGAAAGACTTTTTAAAAAGCTGATACTTGACAAGATTTTGGATGA-3'
Protein context (NP_000048.1, residues 1127-1147): QSGIFGKGSA[Tyr1137Cys]SRHNAERLFK

ClinVar aggregate classification (germline): Uncertain significance (1 of 4 stars; one submission).

Conditions:
Hereditary cancer-predisposing syndrome. Also called: Neoplastic Syndromes, Hereditary; Tumor predisposition; Hereditary neoplastic syndrome; Hereditary Cancer Syndrome. Identifiers: Orphanet 140162, MedGen C0027672, MeSH D009386, MONDO:0015356.

Submission:

Ambry Genetics
Classification: Uncertain significance for Hereditary cancer-predisposing syndrome. Last evaluated: 2023-03-08. Review status: criteria provided, single submitter. Criteria: Ambry Variant Classification Scheme 2023. Collection method: clinical testing. Allele origin: germline.
Comment: The p.Y1137C variant (also known as c.3410A>G), located in coding exon 17 of the BLM gene, results from an A to G substitution at nucleotide position 3410. The tyrosine at codon 1137 is replaced by cysteine, an amino acid with highly dissimilar properties. This amino acid position is conserved. In addition, this alteration is predicted to be deleterious by in silico analysis. Since supporting evidence is limited at this time, the clinical significance of this alteration remains unclear.